The following is an entry in ClinVar:

ClinVar aggregate classification (germline): Conflicting classifications of pathogenicity. Review status: criteria provided, conflicting classifications (1 of 4 stars). 6 submissions from 6 submitters: Uncertain significance (1); Benign (1); Likely benign (3). 1 of the submissions does not count toward it. Last evaluated 2025-09-14.

Conditions:
COL6A3-related disorder. Also called: COL6A3-related condition; COL6A3-related disorders.
Collagen 6-related myopathy. Identifiers: MedGen CN117976, MONDO:0100225.
Bethlem myopathy 1A. Also called: MYOPATHY, BENIGN CONGENITAL, WITH CONTRACTURES; Bethlem myopathy 1; Bethlem Muscular Dystrophy. Identifiers: Orphanet 610, MedGen CN029274, MONDO:0024530, OMIM 158810.

Allele frequency attached by ClinVar (database versions not stated): gnomAD exomes 0.00002; ExAC 0.00007; ESP Exome Variant Server 0.00008; gnomAD 0.00011; TOPMed 0.00018; 1000 Genomes Project 0.00040; 1000 Genomes Project 30x 0.00062.
gnomAD v4.1: 58 of 1,614,010 alleles (0.0036%); highest among the groups gnomAD compares: Middle Eastern, 0.034%; no homozygotes.

Submissions (6):

Labcorp Genetics (formerly Invitae), Labcorp
Classification: Likely benign for Bethlem myopathy 1A. Last evaluated: 2025-09-14. Review status: criteria provided, single submitter. Criteria: Invitae Variant Classification Sherloc (09022015). Collection method: clinical testing. Allele origin: germline.

Blueprint Genetics
Classification: Likely benign. Last evaluated: 2024-09-23. Review status: criteria provided, single submitter. Criteria: ACMG Guidelines, 2015. Collection method: clinical testing. Allele origin: germline.

GeneDx
Classification: Likely benign. Last evaluated: 2021-06-01. Review status: criteria provided, single submitter. Criteria: GeneDx Variant Classification Process June 2021. Collection method: clinical testing. Allele origin: germline. Affected: yes.

Illumina Laboratory Services, Illumina
Classification: Benign for Collagen VI-related myopathy. Last evaluated: 2018-01-13. Review status: criteria provided, single submitter. Criteria: ICSL Variant Classification Criteria 13 December 2019. Collection method: clinical testing. Allele origin: germline.
Comment: This variant was observed in the ICSL laboratory as part of a predisposition screen in an ostensibly healthy population. It had not been previously curated by ICSL or reported in the Human Gene Mutation Database (HGMD: prior to June 1st, 2018), and was therefore a candidate for classification through an automated scoring system. Utilizing variant allele frequency, disease prevalence and penetrance estimates, and inheritance mode, an automated score was calculated to assess if this variant is too frequent to cause the disease. Based on the score and internal cut-off values, a variant classified as benign is not then subjected to further curation. The score for this variant resulted in a classification of benign for this disease.

Eurofins Ntd Llc (ga)
Classification: Uncertain significance. Last evaluated: 2016-07-11. Review status: criteria provided, single submitter. Criteria: EGL Classification Definitions 2015. Collection method: clinical testing. Allele origin: germline. Observed: 1 variant allele, 1 heterozygote.

PreventionGenetics, part of Exact Sciences
Classification: Likely benign for COL6A3-related condition. Last evaluated: 2019-05-24. Review status: no assertion criteria provided. Collection method: clinical testing. Allele origin: germline. Not counted in ClinVar's aggregate classification.
Comment: This variant is classified as likely benign based on ACMG/AMP sequence variant interpretation guidelines (Richards et al. 2015 PMID: 25741868, with internal and published modifications).

NM_004369.4(COL6A3):c.9147C>T (p.Leu3049=)

Gene: COL6A3 (collagen type VI alpha 3 chain; minus strand). Cytogenetic location: 2q37.3.
Variant type: single nucleotide variant.
Coding change: c.9147C>T on transcript NM_004369.4 (MANE Select); coding-DNA position 9147, C replaced by T.
Protein change: p.Leu3049=; no amino-acid change (leucine 3049 retained).
Molecular consequence: synonymous variant.
Genome position (GRCh38, 1-based): chr2:237,334,708, G>A on the plus strand (C>T on the coding strand, the complement: COL6A3 is on the minus strand). VCF-style: chr2-237334708-G-A. GRCh37 (hg19) VCF-style: chr2-238243351-G-A.
Other names: c.7326C>T, p.Leu2442= (NM_057166.5); c.8529C>T, p.Leu2843= (NM_057167.4).
Identifiers: ClinVar variation 289357 (VCV000289357.24), dbSNP rs183247300, ClinGen allele CA2187348.
Genomic context (GRCh38, chr2:237,334,708, plus strand): 5'-GGTGGCTCTGACCTGAGACCTCAGGTAGCAGACCACAGCCACATGGTATGTCTGCCCAGC[G>A]AGCAGGCCTCCAATGACGCGGTCCGTGACCGTGAGGTTCTGCTTCAGAACCAGGGACTGA-3'
Protein context (NP_004360.2, residues 3039-3059): TVTDRVIGGL[Leu3049=]AGQTYHVAVV